The following is an entry in ClinVar:

NM_032242.4(PLXNA1):c.2430G>A (p.Pro810=)

Gene: PLXNA1 (plexin A1; plus strand). Cytogenetic location: 3q21.3.
Variant type: single nucleotide variant.
Coding change: c.2430G>A on transcript NM_032242.4 (MANE Select); coding-DNA position 2430, G replaced by A.
Protein change: p.Pro810=; no amino-acid change (proline 810 retained).
Molecular consequence: synonymous variant.
Genome position (GRCh38, 1-based): chr3:127,014,201, G>A. VCF-style: chr3-127014201-G-A. GRCh37 (hg19) VCF-style: chr3-126733044-G-A.
Identifiers: ClinVar variation 4988629 (VCV004988629.1).

ClinVar aggregate classification (germline): Likely benign (1 of 4 stars; one submission).

Conditions:
PLXNA1-related disorder. Also called: PLXNA1-related condition.

gnomAD v4.1: 15 of 1,608,818 alleles (0.00093%); highest among the groups gnomAD compares: Middle Eastern, 0.016%; no homozygotes.

Submission:

PreventionGenetics, part of Exact Sciences
Classification: Likely benign for PLXNA1-related condition. Last evaluated: 2024-11-13. Review status: criteria provided, single submitter. Criteria: ACMG Guidelines, 2015. Collection method: clinical testing. Allele origin: germline.
Comment: This variant is classified as likely benign based on ACMG/AMP sequence variant interpretation guidelines (Richards et al. 2015 PMID: 25741868, with internal and published modifications).